The following is an entry in ClinVar:

NM_000059.4(BRCA2):c.8979A>C (p.Ser2993=)

Gene: BRCA2 (BRCA2 DNA repair associated; plus strand). Cytogenetic location: 13q13.1.
Variant type: single nucleotide variant.
Coding change: c.8979A>C on transcript NM_000059.4 (MANE Select); coding-DNA position 8979, A replaced by C.
Protein change: p.Ser2993=; no amino-acid change (serine 2993 retained).
Molecular consequence: synonymous variant.
Genome position (GRCh38, 1-based): chr13:32,379,775, A>C. VCF-style: chr13-32379775-A-C. GRCh37 (hg19) VCF-style: chr13-32953912-A-C.
Identifiers: ClinVar variation 427454 (VCV000427454.21), dbSNP rs781452016, ClinGen allele CA6941326.

ClinVar aggregate classification (germline): Likely benign. Review status: reviewed by expert panel (3 of 4 stars). 6 submissions from 6 submitters: Likely benign (1). 5 of the submissions do not count toward it. Last evaluated 2017-06-29.

Conditions:
Hereditary cancer-predisposing syndrome. Also called: Hereditary neoplastic syndrome; Hereditary Cancer Syndrome; Neoplastic Syndromes, Hereditary; Tumor predisposition. Identifiers: Orphanet 140162, MedGen C0027672, MeSH D009386, MONDO:0015356.
Breast-ovarian cancer, familial, susceptibility to, 2 (BROVCA2). Also called: BRCA2 Hereditary Breast and Ovarian Cancer. Identifiers: Orphanet 145, MedGen C2675520, MONDO:0012933, OMIM 612555. Disease mechanism: loss of function.
Hereditary breast ovarian cancer syndrome. Also called: Hereditary breast and ovarian cancer syndrome; BRCA1- and BRCA2-Associated Hereditary Breast and Ovarian Cancer; Hereditary breast and/or ovarian cancer syndrome; Hereditary breast and ovarian cancer; Breast and ovarian cancer; Hereditary breast and ovarian cancer syndrome (HBOC). Identifiers: Orphanet 145, MedGen C0677776, MeSH D061325, MONDO:0003582. Disease mechanism: loss of function.

Allele frequency attached by ClinVar (database versions not stated): TOPMed below 0.00001; ExAC 0.00001; gnomAD exomes 0.00001.
gnomAD v4.1: 3 of 1,612,704 alleles (0.00019%); highest among the groups gnomAD compares: Admixed American, 0.005%; no homozygotes.

Submissions (6):

Evidence-based Network for the Interpretation of Germline Mutant Alleles (ENIGMA)
Classification: Likely benign for Breast-ovarian cancer, familial, susceptibility to, 2. Last evaluated: 2017-06-29. Review status: reviewed by expert panel. Criteria: ENIGMA BRCA1/2 Classification Criteria (2017-06-29). Collection method: curation. Allele origin: germline.
Comment: Synonymous substitution variant, with low bioinformatic likelihood to result in a splicing aberration (Splicing prior probability 0.02).

Labcorp Genetics (formerly Invitae), Labcorp
Classification: Likely benign for Hereditary breast ovarian cancer syndrome. Last evaluated: 2025-03-31. Review status: criteria provided, single submitter. Criteria: Invitae Variant Classification Sherloc (09022015). Collection method: clinical testing. Allele origin: germline. Not counted in ClinVar's aggregate classification.

Ambry Genetics
Classification: Likely benign for Hereditary cancer-predisposing syndrome. Last evaluated: 2023-06-02. Review status: criteria provided, single submitter. Criteria: Ambry Variant Classification Scheme 2023. Collection method: clinical testing. Allele origin: germline. Not counted in ClinVar's aggregate classification.

Quest Diagnostics Nichols Institute San Juan Capistrano
Classification: Likely benign. Last evaluated: 2019-10-09. Review status: criteria provided, single submitter. Criteria: Quest Diagnostics criteria. Collection method: clinical testing. Allele origin: unknown. Not counted in ClinVar's aggregate classification.

Women's Health and Genetics/Laboratory Corporation of America, LabCorp
Classification: Likely benign. Last evaluated: 2019-08-21. Review status: criteria provided, single submitter. Criteria: LabCorp Variant Classification Summary - May 2015. Collection method: clinical testing. Allele origin: germline. Not counted in ClinVar's aggregate classification.

Color Diagnostics, LLC DBA Color Health
Classification: Likely benign for Hereditary cancer-predisposing syndrome. Last evaluated: 2018-06-05. Review status: criteria provided, single submitter. Criteria: ACMG Guidelines, 2015. Collection method: clinical testing. Allele origin: germline. Not counted in ClinVar's aggregate classification.